The following is an entry in ClinVar:

ClinVar aggregate classification (germline): Uncertain significance. Review status: criteria provided, multiple submitters, no conflicts (2 of 4 stars). 2 submissions from 2 submitters: Uncertain significance (2). Last evaluated 2026-03-04.

Conditions:
PLXNA1-related disorder. Also called: PLXNA1-related condition.

gnomAD v4.1: 16 of 1,612,292 alleles (0.00099%); highest among the groups gnomAD compares: African/African-American, 0.0093%; no homozygotes.

Submissions (2):

PreventionGenetics, part of Exact Sciences
Classification: Uncertain significance for PLXNA1-related condition. Last evaluated: 2026-03-04. Review status: criteria provided, single submitter. Criteria: ACMG Guidelines, 2015. Collection method: clinical testing. Allele origin: germline.
Comment: The PLXNA1 c.1840C>T variant is predicted to result in the amino acid substitution p.Arg614Trp. To our knowledge, this variant has not been reported in the literature. This variant is reported in 0.020% of alleles in individuals of African descent in gnomAD. At this time, the clinical significance of this variant is uncertain due to the absence of conclusive functional and genetic evidence.

Ambry Genetics
Classification: Uncertain significance. Last evaluated: 2025-05-07. Review status: criteria provided, single submitter. Criteria: Ambry Variant Classification Scheme 2023. Collection method: clinical testing. Allele origin: germline.

NM_032242.4(PLXNA1):c.1840C>T (p.Arg614Trp)

Gene: PLXNA1 (plexin A1; plus strand). Cytogenetic location: 3q21.3.
Variant type: single nucleotide variant.
Coding change: c.1840C>T on transcript NM_032242.4 (MANE Select); coding-DNA position 1840, C replaced by T.
Protein change: p.Arg614Trp; replaces arginine 614 with tryptophan.
Molecular consequence: missense variant.
Genome position (GRCh38, 1-based): chr3:127,005,186, C>T. VCF-style: chr3-127005186-C-T. GRCh37 (hg19) VCF-style: chr3-126724029-C-T.
Other names: short protein forms R614W.
Identifiers: ClinVar variation 3934767 (VCV003934767.2).